The following is an entry in ClinVar:

ClinVar aggregate classification (germline): Likely pathogenic (1 of 4 stars; one submission).

Conditions:
Autosomal dominant Alport syndrome (ATS3A). Also called: Alport syndrome dominant type; Renal failure and sensorineural hearing loss; ALPORT SYNDROME 3A, AUTOSOMAL DOMINANT. Identifiers: Orphanet 63, Orphanet 88918, MedGen C5882663, MONDO:0007086, OMIM 104200.

Submission:

MVZ Medizinische Genetik Mainz
Classification: Likely pathogenic for Autosomal dominant Alport syndrome. Last evaluated: 2026-04-22. Review status: criteria provided, single submitter. Criteria: UK Practice Guidelines For Variant Classification V4 01 2020. Collection method: clinical testing. Allele origin: germline. Inheritance: Autosomal dominant inheritance. Affected: yes. Observed: 1 variant allele.
Comment: ACMG Criteria: PM1_STR,PM2_SUP,PP3,PP4

NM_000091.5(COL4A3):c.451G>A (p.Gly151Ser)

Genes: COL4A3 (collagen type IV alpha 3 chain; plus strand), MFF-DT (MFF divergent transcript; minus strand). Cytogenetic location: 2q36.3.
Variant type: single nucleotide variant.
Coding change: c.451G>A on transcript NM_000091.5 (MANE Select); coding-DNA position 451, G replaced by A.
Protein change: p.Gly151Ser; replaces glycine 151 with serine.
Molecular consequence: missense variant.
Genome position (GRCh38, 1-based): chr2:227,247,567, G>A. VCF-style: chr2-227247567-G-A. GRCh37 (hg19) VCF-style: chr2-228112283-G-A.
Other names: short protein forms G151S.
Identifiers: ClinVar variation 4852382 (VCV004852382.1).